The following is an entry in ClinVar:

NM_004415.4(DSP):c.7643G>C (p.Arg2548Pro)

Gene: DSP (desmoplakin; plus strand). Cytogenetic location: 6p24.3.
Variant type: single nucleotide variant.
Coding change: c.7643G>C on transcript NM_004415.4 (MANE Select); coding-DNA position 7643, G replaced by C.
Protein change: p.Arg2548Pro; replaces arginine 2548 with proline.
Molecular consequence: missense variant.
Genome position (GRCh38, 1-based): chr6:7,584,905, G>C. VCF-style: chr6-7584905-G-C. GRCh37 (hg19) VCF-style: chr6-7585138-G-C.
Other names: c.5846G>C, p.Arg1949Pro (NM_001008844.3); c.6314G>C, p.Arg2105Pro (NM_001319034.2); short protein forms R2105P, R1949P, R2548P.
Identifiers: ClinVar variation 2567519 (VCV002567519.4), dbSNP rs377565339, ClinGen allele CA362693465.

ClinVar aggregate classification (germline): Uncertain significance. Review status: criteria provided, multiple submitters, no conflicts (2 of 4 stars). 2 submissions from 2 submitters: Uncertain significance (2). Last evaluated 2023-10-02.

Conditions:
Cardiomyopathy (CMYO). Also called: Cardiomyopathies. Identifiers: Orphanet 167848, MedGen C0878544, MONDO:0004994, HP:0001638. Inheritance: Various modes of inheritance.
Cardiovascular phenotype. Identifiers: MedGen CN230736.

Submissions (2):

Color Diagnostics, LLC DBA Color Health
Classification: Uncertain significance for Cardiomyopathy. Last evaluated: 2023-10-02. Review status: criteria provided, single submitter. Criteria: ACMG Guidelines, 2015. Collection method: clinical testing. Allele origin: germline.
Comment: This missense variant replaces arginine with proline at codon 2548 of the DSP protein. Computational prediction is inconclusive regarding the impact of this variant on protein structure and function (internally defined REVEL score threshold 0.5 < inconclusive < 0.7, PMID: 27666373). To our knowledge, functional studies have not been reported for this variant. This variant has not been reported in individuals affected with DSP-related disorders in the literature. This variant has not been identified in the general population by the Genome Aggregation Database (gnomAD). The available evidence is insufficient to determine the role of this variant in disease conclusively. Therefore, this variant is classified as a Variant of Uncertain Significance.

Ambry Genetics
Classification: Uncertain significance for Cardiovascular phenotype. Last evaluated: 2023-04-07. Review status: criteria provided, single submitter. Criteria: Ambry Variant Classification Scheme 2023. Collection method: clinical testing. Allele origin: germline.
Comment: The p.R2548P variant (also known as c.7643G>C), located in coding exon 24 of the DSP gene, results from a G to C substitution at nucleotide position 7643. The arginine at codon 2548 is replaced by proline, an amino acid with dissimilar properties. This amino acid position is conserved. In addition, the in silico prediction for this alteration is inconclusive. Since supporting evidence is limited at this time, the clinical significance of this alteration remains unclear.